The following is an entry in ClinVar:

NM_005472.5(KCNE3):c.158G>A (p.Arg53His)

Gene: KCNE3 (potassium voltage-gated channel subfamily E regulatory subunit 3; minus strand). Cytogenetic location: 11q13.4.
Variant type: single nucleotide variant.
Coding change: c.158G>A on transcript NM_005472.5 (MANE Select); coding-DNA position 158, G replaced by A.
Protein change: p.Arg53His; replaces arginine 53 with histidine.
Molecular consequence: missense variant.
Genome position (GRCh38, 1-based): chr11:74,457,406, C>T on the plus strand (G>A on the coding strand, the complement: KCNE3 is on the minus strand). VCF-style: chr11-74457406-C-T. GRCh37 (hg19) VCF-style: chr11-74168451-C-T.
Other names: short protein forms R53H.
Identifiers: ClinVar variation 402993 (VCV000402993.16), dbSNP rs565287436, ClinGen allele CA6184843.

ClinVar aggregate classification (germline): Conflicting classifications of pathogenicity. Review status: criteria provided, conflicting classifications (1 of 4 stars). 4 submissions from 4 submitters: Uncertain significance (3); Likely benign (1). Last evaluated 2025-09-08.

Conditions:
Cardiovascular phenotype. Identifiers: MedGen CN230736.
Brugada syndrome 6 (BRGDA6). Identifiers: Orphanet 130, MedGen C2751089, MONDO:0013145, OMIM 613119.

Allele frequency attached by ClinVar (database versions not stated): ExAC 0.00005; TOPMed 0.00007; gnomAD 0.00010; 1000 Genomes Project 30x 0.00031; 1000 Genomes Project 0.00040.

Submissions (4):

Labcorp Genetics (formerly Invitae), Labcorp
Classification: Uncertain significance for Brugada syndrome 6. Last evaluated: 2025-09-08. Review status: criteria provided, single submitter. Criteria: Invitae Variant Classification Sherloc (09022015). Collection method: clinical testing. Allele origin: germline.
Comment: This sequence change replaces arginine, which is basic and polar, with histidine, which is basic and polar, at codon 53 of the KCNE3 protein (p.Arg53His). This variant is present in population databases (rs565287436, gnomAD 0.04%). This missense change has been observed in individual(s) with atrial fibrillation (PMID: 16313760). It has also been observed to segregate with disease in related individuals. ClinVar contains an entry for this variant (Variation ID: 402993). An algorithm developed to predict the effect of missense changes on protein structure and function (PolyPhen-2) suggests that this variant is likely to be tolerated. Experimental studies are conflicting or provide insufficient evidence to determine the effect of this variant on KCNE3 function (PMID: 16313760). In summary, the available evidence is currently insufficient to determine the role of this variant in disease. Therefore, it has been classified as a Variant of Uncertain Significance.

Ambry Genetics
Classification: Likely benign for Cardiovascular phenotype. Last evaluated: 2024-06-10. Review status: criteria provided, single submitter. Criteria: Ambry Variant Classification Scheme 2023. Collection method: clinical testing. Allele origin: germline.

Fulgent Genetics
Classification: Uncertain significance for Brugada syndrome 6. Last evaluated: 2021-07-28. Review status: criteria provided, single submitter. Criteria: ACMG Guidelines, 2015. Collection method: clinical testing. Allele origin: unknown.

Laboratory for Molecular Medicine, Mass General Brigham Personalized Medicine
Classification: Uncertain significance. Last evaluated: 2016-06-23. Review status: criteria provided, single submitter. Criteria: LMM Criteria. Collection method: clinical testing. Allele origin: germline.
Comment: Variant identified in a genome or exome case(s) and assessed due to predicted null impact of the variant or pathogenic assertions in the literature or databases. Disclaimer: This variant has not undergone full assessment. The following are preliminary notes: Published in 1 case report (which is not accessible)

Literature cited by the submitters: PubMed 16313760 (cited by Labcorp Genetics (formerly Invitae), Labcorp and Ambry Genetics).